The following is an entry in ClinVar:

NM_002474.3(MYH11):c.5272C>T (p.Arg1758Trp)

Genes: MYH11 (myosin heavy chain 11; minus strand), NDE1 (nudE neurodevelopment protein 1; plus strand). Cytogenetic location: 16p13.11.
Variant type: single nucleotide variant.
Coding change: c.5272C>T on transcript NM_002474.3 (MANE Select); coding-DNA position 5272, C replaced by T.
Protein change: p.Arg1758Trp; replaces arginine 1758 with tryptophan.
Molecular consequence: missense variant. On other transcripts: intron variant (2).
Genome position (GRCh38, 1-based): chr16:15,718,338, G>A on the plus strand (C>T on the coding strand, the complement: MYH11 is on the minus strand). VCF-style: chr16-15718338-G-A. GRCh37 (hg19) VCF-style: chr16-15812195-G-A.
Other names: c.5293C>T, p.Arg1765Trp (NM_001040113.2, NM_001040114.2); c.5272C>T, p.Arg1758Trp (NM_022844.3); c.948-5853G>A (NM_001143979.2, NM_017668.3); short protein forms R1758W, R1765W.
Identifiers: ClinVar variation 3072631 (VCV003072631.4), dbSNP rs751148158, ClinGen allele CA7921349.

ClinVar aggregate classification (germline): Uncertain significance. Review status: criteria provided, multiple submitters, no conflicts (2 of 4 stars). 3 submissions from 3 submitters: Uncertain significance (3). Last evaluated 2024-08-20.

Conditions:
Familial thoracic aortic aneurysm and aortic dissection (TAAD). Also called: Thoracic aortic aneurysms and dissections. Identifiers: Orphanet 91387, MedGen C4707243, MONDO:0019625.
Aortic aneurysm, familial thoracic 4 (AAT4). Also called: AORTIC ANEURYSM/AORTIC DISSECTION AND PATENT DUCTUS ARTERIOSUS. Identifiers: MedGen C1851504, MONDO:0007568, OMIM 132900.

Allele frequency attached by ClinVar (database versions not stated): ExAC 0.00001; gnomAD 0.00001; TOPMed 0.00001.
gnomAD v4.1: 14 of 1,608,856 alleles (0.00087%); highest among the groups gnomAD compares: South Asian, 0.0033%; no homozygotes.

Submissions (3):

Labcorp Genetics (formerly Invitae), Labcorp
Classification: Uncertain significance for Aortic aneurysm, familial thoracic 4. Last evaluated: 2024-08-20. Review status: criteria provided, single submitter. Criteria: Invitae Variant Classification Sherloc (09022015). Collection method: clinical testing. Allele origin: germline.
Comment: This sequence change replaces arginine, which is basic and polar, with tryptophan, which is neutral and slightly polar, at codon 1765 of the MYH11 protein (p.Arg1765Trp). The frequency data for this variant in the population databases is considered unreliable, as metrics indicate poor data quality at this position in the gnomAD database. This missense change has been observed in individual(s) with MYH11-related conditions (PMID: 29907982). Invitae Evidence Modeling of protein sequence and biophysical properties (such as structural, functional, and spatial information, amino acid conservation, physicochemical variation, residue mobility, and thermodynamic stability) has been performed for this missense variant. However, the output from this modeling did not meet the statistical confidence thresholds required to predict the impact of this variant on MYH11 protein function. In summary, the available evidence is currently insufficient to determine the role of this variant in disease. Therefore, it has been classified as a Variant of Uncertain Significance.

GeneDx
Classification: Uncertain significance. Last evaluated: 2024-06-01. Review status: criteria provided, single submitter. Criteria: GeneDx Variant Classification Process June 2021. Collection method: clinical testing. Allele origin: germline. Affected: yes.
Comment: Not observed at significant frequency in large population cohorts (gnomAD); In silico analysis supports that this missense variant has a deleterious effect on protein structure/function; This variant is associated with the following publications: (PMID: 29907982)

All of Us Research Program, National Institutes of Health
Classification: Uncertain significance for Familial thoracic aortic aneurysm and aortic dissection. Last evaluated: 2023-12-01. Review status: criteria provided, single submitter. Criteria: ACMG Guidelines, 2015. Collection method: clinical testing. Allele origin: germline. Inheritance: Autosomal dominant inheritance. Observed: 2 variant alleles, 2 heterozygotes.
Comment: This study involves interpretation of variants in research participants for the purpose of population health screening. Participant phenotype was not available at the time of variant classification. Additional details can be found in publication PMID: 35346344, PMCID: PMC8962531

Literature cited by the submitters: PubMed 29907982 (cited by Labcorp Genetics (formerly Invitae), Labcorp).